The following is an entry in ClinVar:

ClinVar aggregate classification (germline): Uncertain significance (1 of 4 stars; one submission).

Conditions:
Fucosidosis. Also called: ALPHA-L-FUCOSIDASE DEFICIENCY. Identifiers: Orphanet 349, MedGen C0016788, MONDO:0009254, OMIM 230000.

Submission:

Labcorp Genetics (formerly Invitae), Labcorp
Classification: Uncertain significance for Fucosidosis. Last evaluated: 2020-01-18. Review status: criteria provided, single submitter. Criteria: Invitae Variant Classification Sherloc (09022015). Collection method: clinical testing. Allele origin: germline.
Comment: In summary, the available evidence is currently insufficient to determine the role of this variant in disease. Therefore, it has been classified as a Variant of Uncertain Significance. Algorithms developed to predict the effect of missense changes on protein structure and function (SIFT, PolyPhen-2, Align-GVGD) all suggest that this variant is likely to be tolerated, but these predictions have not been confirmed by published functional studies and their clinical significance is uncertain. This variant has not been reported in the literature in individuals with FUCA1-related conditions. This variant is not present in population databases (ExAC no frequency). This sequence change replaces leucine with isoleucine at codon 194 of the FUCA1 protein (p.Leu194Ile). The leucine residue is moderately conserved and there is a small physicochemical difference between leucine and isoleucine.

NM_000147.5(FUCA1):c.580C>A (p.Leu194Ile)

Gene: FUCA1 (alpha-L-fucosidase 1; minus strand). Cytogenetic location: 1p36.11.
Variant type: single nucleotide variant.
Coding change: c.580C>A on transcript NM_000147.5 (MANE Select); coding-DNA position 580, C replaced by A.
Protein change: p.Leu194Ile; replaces leucine 194 with isoleucine.
Molecular consequence: missense variant.
Genome position (GRCh38, 1-based): chr1:23,863,216, G>T on the plus strand (C>A on the coding strand, the complement: FUCA1 is on the minus strand). VCF-style: chr1-23863216-G-T. GRCh37 (hg19) VCF-style: chr1-24189706-G-T.
Other names: short protein forms L194I.
Identifiers: ClinVar variation 1000613 (VCV001000613.8), dbSNP rs1639545879, ClinGen allele CA339006264.